The following is an entry in ClinVar:

NM_015443.4(KANSL1):c.2020+1G>A

Gene: KANSL1 (KAT8 regulatory NSL complex subunit 1). Cytogenetic location: 17q21.31.
Variant type: single nucleotide variant.
Coding change: c.2020+1G>A on transcript NM_015443.4 (MANE Select); the canonical splice donor site of the intron after coding-DNA position 2020, G replaced by A.
Molecular consequence: splice donor variant.
Genome position (GRCh38, 1-based): chr17:46,050,532, C>T on the plus strand (G>A on the coding strand, the complement: KANSL1 is on the minus strand). VCF-style: chr17-46050532-C-T. GRCh37 (hg19) VCF-style: chr17-44127898-C-T.
Other names: c.1918+1G>A (NM_001405861.1, NM_001405859.1, NM_001405860.1 and 1 more transcripts); c.2020+1G>A (NM_001405879.1, NM_001405875.1, NM_001193465.2 and 14 more transcripts); c.754+1G>A (NM_001405885.1, NM_001405884.1, NM_001405883.1 and 1 more transcripts).
Identifiers: ClinVar variation 2232486 (VCV002232486.3), dbSNP rs2510648438, ClinGen allele CA399983758.

ClinVar aggregate classification (germline): Pathogenic. Review status: criteria provided, multiple submitters, no conflicts (2 of 4 stars). 2 submissions from 2 submitters: Pathogenic (2). Last evaluated 2023-09-07.

Conditions:
Inborn genetic diseases. Identifiers: MedGen C0950123, MeSH D030342.
Koolen-de Vries syndrome (KDVS). Identifiers: Orphanet 96169, MedGen C1864871, MONDO:0012496, OMIM 610443.

Submissions (2):

Institute of Human Genetics, FAU Erlangen, Friedrich-Alexander-Universität Erlangen-Nürnberg
Classification: Pathogenic for Koolen-de Vries syndrome. Last evaluated: 2023-09-07. Review status: criteria provided, single submitter. Criteria: Hauer et al. (Genet Med. 2018). Collection method: clinical testing. Allele origin: germline. Inheritance: Autosomal dominant inheritance. Affected: yes. Observed: 1 variant allele.
Comment: This variant has been identified by standard clinical testing. de novo Selected ACMG criteria: Pathogenic (I):PM2;PS2;PVS1

Ambry Genetics
Classification: Pathogenic for Inborn genetic diseases. Last evaluated: 2021-07-14. Review status: criteria provided, single submitter. Criteria: Ambry Variant Classification Scheme 2023. Collection method: clinical testing. Allele origin: germline.
Comment: The c.2020+1G>A intronic variant results from a G to A substitution one nucleotide after coding exon 6 of the KANSL1 gene. Alterations that disrupt the canonical splice site are expected to cause aberrant splicing, resulting in an abnormal protein or a transcript that is subject to nonsense-mediated mRNA decay. Based on data from the Genome Aggregation Database (gnomAD), the KANSL1 c.2020+1G>A alteration was not observed, with coverage at this position. This nucleotide position is highly conserved in available vertebrate species. In silico splice site analysis predicts that this alteration will weaken the native splice donor site. Based on the available evidence, this alteration is classified as pathogenic.